The following is an entry in ClinVar:

ClinVar aggregate classification (germline): Uncertain significance (1 of 4 stars; one submission).

Conditions:
Neuropathy, hereditary motor and sensory, type 6B (HMSN6B). Also called: CHARCOT-MARIE-TOOTH DISEASE, TYPE 6B; NEUROPATHY, HEREDITARY MOTOR AND SENSORY, TYPE VIB, WITH OPTIC ATROPHY; HMSN VIB; Neuropathy, hereditary motor and sensory, type VIB. Identifiers: MedGen C4225302, MONDO:0014671, OMIM 616505.

Submission:

Labcorp Genetics (formerly Invitae), Labcorp
Classification: Uncertain significance for Neuropathy, hereditary motor and sensory, type 6B. Last evaluated: 2024-01-22. Review status: criteria provided, single submitter. Criteria: Invitae Variant Classification Sherloc (09022015). Collection method: clinical testing. Allele origin: germline.
Comment: This sequence change replaces isoleucine, which is neutral and non-polar, with valine, which is neutral and non-polar, at codon 405 of the SLC25A46 protein (p.Ile405Val). This variant is not present in population databases (gnomAD no frequency). This variant has not been reported in the literature in individuals affected with SLC25A46-related conditions. ClinVar contains an entry for this variant (Variation ID: 583282). Advanced modeling of protein sequence and biophysical properties (such as structural, functional, and spatial information, amino acid conservation, physicochemical variation, residue mobility, and thermodynamic stability) performed at Invitae indicates that this missense variant is not expected to disrupt SLC25A46 protein function with a negative predictive value of 80%. In summary, the available evidence is currently insufficient to determine the role of this variant in disease. Therefore, it has been classified as a Variant of Uncertain Significance.

NM_138773.4(SLC25A46):c.1213A>G (p.Ile405Val)

Gene: SLC25A46 (solute carrier family 25 member 46; plus strand). Cytogenetic location: 5q22.1.
Variant type: single nucleotide variant.
Coding change: c.1213A>G on transcript NM_138773.4 (MANE Select); coding-DNA position 1213, A replaced by G.
Protein change: p.Ile405Val; replaces isoleucine 405 with valine.
Molecular consequence: missense variant. On other transcripts: non-coding transcript variant (1).
Genome position (GRCh38, 1-based): chr5:110,761,738, A>G. VCF-style: chr5-110761738-A-G. GRCh37 (hg19) VCF-style: chr5-110097438-A-G.
Other names: c.970A>G, p.Ile324Val (NM_001303249.3); c.940A>G, p.Ile314Val (NM_001303250.3); short protein forms I405V, I314V, I324V.
Identifiers: ClinVar variation 583282 (VCV000583282.9), dbSNP rs1561610274, ClinGen allele CA360697829.
Genomic context (GRCh38, chr5:110,761,738, plus strand): 5'-TTTTATAAAGGGTTTGGTGCTGTTATAATACAGTACACACTGCATGCAGCTGTTTTACAG[A>G]TTACCAAAATTATTTACTCTACACTTCTTCAAAATAACATTTGAGATTTAGGTTCCTTCA-3'
Protein context (NP_620128.1, residues 395-415): QYTLHAAVLQ[Ile405Val]TKIIYSTLLQ